The following is an entry in ClinVar:

ClinVar aggregate classification (germline): Uncertain significance (1 of 4 stars; one submission).

Conditions:
Developmental delay with variable neurologic and brain abnormalities (MLHNS). Also called: MALHOTRA NEURODEVELOPMENTAL SYNDROME. Identifiers: MedGen C5562060, MONDO:0859218, OMIM 619694.

gnomAD v4.1: 1 of 1,613,860 alleles (0.000062%); highest among the groups gnomAD compares: Non-Finnish European, 0.000085%; no homozygotes.

Submission:

Neuberg Centre For Genomic Medicine, NCGM
Classification: Uncertain significance for Developmental delay with variable neurologic and brain abnormalities. Last evaluated: 2023-05-20. Review status: criteria provided, single submitter. Criteria: ACMG Guidelines, 2015. Collection method: clinical testing. Allele origin: germline. Inheritance: Autosomal dominant inheritance. Affected: yes.
Comment: The observed missense c.1172T>C(p.Val391Ala) variant in LMBRD2 gene has not been reported previously as a pathogenic variant nor as a benign variant, to our knowledge. This variant is reported with the allele frequency of 0.0004% in the gnomAD Exomes. The amino acid Val at position 391 is changed to a Ala changing protein sequence and it might alter its composition and physico-chemical properties. The amino acid change p.Val391Ala in LMBRD2 is predicted as conserved by GERP++ and PhyloP across 100 vertebrates. Computational evidence (Polyphen - Possibly damaging, SIFT - Tolerated, and MutationTaster - Disease causing) predicts conflicting evidence on protein structure and function for this variant. For these reasons, this variant has been classified as Uncertain Significance.

NM_001007527.2(LMBRD2):c.1172T>C (p.Val391Ala)

Gene: LMBRD2 (LMBR1 domain containing 2; minus strand). Cytogenetic location: 5p13.2.
Variant type: single nucleotide variant.
Coding change: c.1172T>C on transcript NM_001007527.2 (MANE Select); coding-DNA position 1172, T replaced by C.
Protein change: p.Val391Ala; replaces valine 391 with alanine.
Molecular consequence: missense variant.
Genome position (GRCh38, 1-based): chr5:36,117,865, A>G on the plus strand (T>C on the coding strand, the complement: LMBRD2 is on the minus strand). VCF-style: chr5-36117865-A-G. GRCh37 (hg19) VCF-style: chr5-36117967-A-G.
Other names: short protein forms V391A.
Identifiers: ClinVar variation 3341441 (VCV003341441.1).